The following is an entry in ClinVar:

NM_001384900.1(SEMA3D):c.693C>T (p.Asp231=)

Gene: SEMA3D (semaphorin 3D; minus strand). Cytogenetic location: 7q21.11.
Variant type: single nucleotide variant.
Coding change: c.693C>T on transcript NM_001384900.1 (MANE Select); coding-DNA position 693, C replaced by T.
Protein change: p.Asp231=; no amino-acid change (aspartic acid 231 retained).
Molecular consequence: synonymous variant.
Genome position (GRCh38, 1-based): chr7:85,065,449, G>A on the plus strand (C>T on the coding strand, the complement: SEMA3D is on the minus strand). VCF-style: chr7-85065449-G-A. GRCh37 (hg19) VCF-style: chr7-84694765-G-A.
Other names: c.693C>T, p.Asp231= (NM_001384901.1, NM_001384902.1, NM_001384903.1 and 1 more transcripts).
Identifiers: ClinVar variation 3053236 (VCV003053236.2), dbSNP rs1791589458, ClinGen allele CA456312554.

ClinVar aggregate classification (germline): Likely benign (0 of 4 stars; one submission).

Conditions:
SEMA3D-related disorder. Also called: SEMA3D-related condition.

Allele frequency attached by ClinVar (database versions not stated): gnomAD exomes below 0.00001; TOPMed below 0.00001; gnomAD 0.00001.
gnomAD v4.1: 8 of 1,613,274 alleles (0.0005%); highest among the groups gnomAD compares: African/African-American, 0.004%; no homozygotes.

Submission:

PreventionGenetics, part of Exact Sciences
Classification: Likely benign for SEMA3D-related condition. Last evaluated: 2022-03-30. Review status: no assertion criteria provided. Collection method: clinical testing. Allele origin: germline.
Comment: This variant is classified as likely benign based on ACMG/AMP sequence variant interpretation guidelines (Richards et al. 2015 PMID: 25741868, with internal and published modifications).